The following is an entry in ClinVar:

ClinVar aggregate classification (germline): Uncertain significance (1 of 4 stars; one submission).

Submission:

Labcorp Genetics (formerly Invitae), Labcorp
Classification: Uncertain significance. Last evaluated: 2022-07-23. Review status: criteria provided, single submitter. Criteria: Invitae Variant Classification Sherloc (09022015). Collection method: clinical testing. Allele origin: germline.
Comment: This sequence change replaces leucine, which is neutral and non-polar, with proline, which is neutral and non-polar, at codon 260 of the SERPINH1 protein (p.Leu260Pro). This variant is not present in population databases (gnomAD no frequency). This variant has not been reported in the literature in individuals affected with SERPINH1-related conditions. Advanced modeling of protein sequence and biophysical properties (such as structural, functional, and spatial information, amino acid conservation, physicochemical variation, residue mobility, and thermodynamic stability) performed at Invitae indicates that this missense variant is not expected to disrupt SERPINH1 protein function. In summary, the available evidence is currently insufficient to determine the role of this variant in disease. Therefore, it has been classified as a Variant of Uncertain Significance.

NM_001235.5(SERPINH1):c.779T>C (p.Leu260Pro)

Gene: SERPINH1 (serpin family H member 1; plus strand). Cytogenetic location: 11q13.5.
Variant type: single nucleotide variant.
Coding change: c.779T>C on transcript NM_001235.5 (MANE Select); coding-DNA position 779, T replaced by C.
Protein change: p.Leu260Pro; replaces leucine 260 with proline.
Molecular consequence: missense variant.
Genome position (GRCh38, 1-based): chr11:75,568,996, T>C. VCF-style: chr11-75568996-T-C. GRCh37 (hg19) VCF-style: chr11-75280041-T-C.
Other names: c.779T>C, p.Leu260Pro (NM_001207014.3); short protein forms L260P.
Identifiers: ClinVar variation 1713429 (VCV001713429.3), dbSNP rs2497022392, ClinGen allele CA381891619.